The following is an entry in ClinVar:

NM_007294.4(BRCA1):c.3603T>G (p.Gly1201=)

Genes: BRCA1 (BRCA1 DNA repair associated; minus strand), LOC126862571 (BRD4-independent group 4 enhancer GRCh37_chr17:41243136-41244335; plus strand). Cytogenetic location: 17q21.31.
Variant type: single nucleotide variant.
Coding change: c.3603T>G on transcript NM_007294.4 (MANE Select); coding-DNA position 3603, T replaced by G.
Protein change: p.Gly1201=; no amino-acid change (glycine 1201 retained).
Molecular consequence: synonymous variant. On other transcripts: intron variant (135).
Genome position (GRCh38, 1-based): chr17:43,091,928, A>C on the plus strand (T>G on the coding strand, the complement: BRCA1 is on the minus strand). VCF-style: chr17-43091928-A-C. GRCh37 (hg19) VCF-style: chr17-41243945-A-C.
Other names: G1201G; c.3525T>G, p.Gly1175= (NM_001407655.1, NM_001407656.1, NM_001407657.1 and 4 more transcripts); c.3522T>G, p.Gly1174= (NM_001407659.1, NM_001407660.1, NM_001407661.1 and 1 more transcripts); c.3480T>G, p.Gly1160= (NM_001407664.1, NM_001407665.1, NM_001407666.1 and 19 more transcripts); c.3477T>G, p.Gly1159= (NM_001407670.1, NM_001407671.1, NM_001407672.1 and 11 more transcripts); c.3603T>G, p.Gly1201= (NM_001407684.1, NM_001407854.1, NM_001407858.1 and 30 more transcripts); c.3462T>G, p.Gly1154= (NM_001407692.1, NM_001407694.1, NM_001407695.1 and 29 more transcripts); c.3459T>G, p.Gly1153= (NM_001407740.1, NM_001407741.1, NM_001407742.1 and 20 more transcripts); and 42 more.
Identifiers: ClinVar variation 54933 (VCV000054933.4), dbSNP rs80356830, ClinGen allele CA002303.
Genomic context (GRCh38, chr17:43,091,928, plus strand): 5'-TTCATCCTCACTAGATAAGTTCTCTTCTGAGGACTCTAATTTCTTGGCCCCTCTTCGGTA[A>C]CCCTGAGCCAAATGTGTATGGGTGAAAGGGCTAGGACTCCTGCTAAGCTCTCCTTTCTGG-3'
Protein context (NP_009225.1, residues 1191-1211): SPFTHTHLAQ[Gly1201=]YRRGAKKLES

ClinVar aggregate classification (germline): Likely benign. Review status: reviewed by expert panel (3 of 4 stars). 2 submissions from 2 submitters: Likely benign (1). 1 of the submissions does not count toward it. Last evaluated 2017-06-29.

Conditions:
Breast-ovarian cancer, familial, susceptibility to, 1 (BROVCA1). Also called: BRCA1 Hereditary Breast and Ovarian Cancer; OVARIAN CANCER, SUSCEPTIBILITY TO. Identifiers: Orphanet 145, MedGen C2676676, MONDO:0011450, OMIM 604370. Disease mechanism: loss of function.

Allele frequency attached by ClinVar (database versions not stated): gnomAD exomes below 0.00001.

Submissions (2):

Evidence-based Network for the Interpretation of Germline Mutant Alleles (ENIGMA)
Classification: Likely benign for Breast-ovarian cancer, familial, susceptibility to, 1. Last evaluated: 2017-06-29. Review status: reviewed by expert panel. Criteria: ENIGMA BRCA1/2 Classification Criteria (2017-06-29). Collection method: curation. Allele origin: germline.
Comment: Synonymous substitution variant, with low bioinformatic likelihood to result in a splicing aberration (Splicing prior probability 0.02).

Breast Cancer Information Core (BIC) (BRCA1)
Classification: Uncertain significance for Breast-ovarian cancer, familial 1. Review status: no assertion criteria provided. Collection method: clinical testing. Allele origin: germline. Affected: yes. Observed: 1 variant allele. Not counted in ClinVar's aggregate classification.